The following is an entry in ClinVar:

NM_019098.5(CNGB3):c.852+4010_903+1699dup

Gene: CNGB3 (cyclic nucleotide gated channel subunit beta 3; minus strand). Cytogenetic location: 8q21.3.
Variant type: Duplication.
Coding change: c.852+4010_903+1699dup on transcript NM_019098.5 (MANE Select); 4010 bases into the intron after coding-DNA position 852 through 1699 bases into the intron after coding-DNA position 903, this stretch duplicated.
Molecular consequence: splice acceptor variant, splice donor variant.
Identifiers: ClinVar variation 997677 (VCV000997677.4).

ClinVar aggregate classification (germline): Pathogenic (1 of 4 stars; one submission).

Conditions:
Achromatopsia 3 (ACHM3). Also called: TOTAL COLORBLINDNESS WITH MYOPIA; ROD MONOCHROMACY 1; ROD MONOCHROMATISM 1; ACHROMATOPSIA WITH MYOPIA; PINGELAPESE BLINDNESS. Identifiers: Orphanet 49382, MedGen C1849792, MONDO:0009875, OMIM 262300.

Submission:

Centre for Mendelian Genomics, University Medical Centre Ljubljana
Classification: Pathogenic for Achromatopsia 3. Review status: criteria provided, single submitter. Criteria: ACMG Guidelines, 2015. Collection method: clinical testing. Allele origin: inherited. Inheritance: Autosomal recessive inheritance. Affected: yes.
Comment: This variant represents a duplication of exon 7 in the CNGB3 gene. Similar of exon 7 has been reported previously in the literature in compound heterozygous state with another (likely) pathogenic CNGB3 variant (Mayer et al. 2017). The variant is rare or absent in the general populations (SGV, gnomAD) and is anticipated to result in the shift of the reading frame of the CNGB3 protein [PVS,PM2, PS4_SUP]

Literature cited by the submitters: PubMed 28795510.